The following is an entry in ClinVar:

NM_170707.4(LMNA):c.878A>C (p.Gln293Pro)

Gene: LMNA (lamin A/C; plus strand). Cytogenetic location: 1q22.
Variant type: single nucleotide variant.
Coding change: c.878A>C on transcript NM_170707.4 (MANE Select); coding-DNA position 878, A replaced by C.
Protein change: p.Gln293Pro; replaces glutamine 293 with proline.
Molecular consequence: missense variant.
Genome position (GRCh38, 1-based): chr1:156,135,254, A>C. VCF-style: chr1-156135254-A-C. GRCh37 (hg19) VCF-style: chr1-156105045-A-C.
Other names: c.542A>C, p.Gln181Pro (NM_001257374.3, NM_001406998.1, NM_001406989.1); c.635A>C, p.Gln212Pro (NM_001282624.2, NM_001406986.1, NM_001406987.1); c.878A>C, p.Gln293Pro (NM_001282625.2, NM_001282626.2, NM_001406983.1 and 6 more transcripts); c.214A>C, p.Ser72Arg (NM_001406999.1, NM_001407000.1, NM_001407001.1 and 1 more transcripts); c.320A>C, p.Gln107Pro (NM_001407002.1, NM_001407003.1, NM_001406990.1 and 4 more transcripts); c.581A>C, p.Gln194Pro (NM_001406988.1); short protein forms Q107P, Q181P, Q194P, Q212P, Q293P, S72R.
Identifiers: ClinVar variation 2133401 (VCV002133401.7), dbSNP rs1651454980, ClinGen allele CA342817722.

ClinVar aggregate classification (germline): Uncertain significance. Review status: criteria provided, multiple submitters, no conflicts (2 of 4 stars). 2 submissions from 2 submitters: Uncertain significance (2). Last evaluated 2022-05-04.

Conditions:
Charcot-Marie-Tooth disease type 2. Also called: Charcot-Marie-Tooth type 2. Identifiers: Orphanet 64746, MedGen C0270914, MONDO:0018993.

Submissions (2):

Labcorp Genetics (formerly Invitae), Labcorp
Classification: Uncertain significance for Charcot-Marie-Tooth disease type 2. Last evaluated: 2022-05-04. Review status: criteria provided, single submitter. Criteria: Invitae Variant Classification Sherloc (09022015). Collection method: clinical testing. Allele origin: germline.
Comment: In summary, the available evidence is currently insufficient to determine the role of this variant in disease. Therefore, it has been classified as a Variant of Uncertain Significance. Algorithms developed to predict the effect of missense changes on protein structure and function are either unavailable or do not agree on the potential impact of this missense change (SIFT: "Deleterious"; PolyPhen-2: "Benign"; Align-GVGD: "Class C65"). This missense change has been observed in individual(s) with clinical features of LMNA-related conditions (Invitae). This variant is not present in population databases (gnomAD no frequency). This sequence change replaces glutamine, which is neutral and polar, with proline, which is neutral and non-polar, at codon 293 of the LMNA protein (p.Gln293Pro).

Revvity Omics, Revvity
Classification: Uncertain significance. Last evaluated: 2022-03-24. Review status: criteria provided, single submitter. Criteria: ACMG Guidelines, 2015. Collection method: clinical testing. Allele origin: germline.